The following is an entry in ClinVar:

NM_024105.4(ALG12):c.469+13C>T

Gene: ALG12 (ALG12 alpha-1,6-mannosyltransferase; minus strand). Cytogenetic location: 22q13.33.
Variant type: single nucleotide variant.
Coding change: c.469+13C>T on transcript NM_024105.4 (MANE Select); 13 bases into the intron after coding-DNA position 469, C replaced by T.
Molecular consequence: intron variant.
Genome position (GRCh38, 1-based): chr22:49,910,421, G>A on the plus strand (C>T on the coding strand, the complement: ALG12 is on the minus strand). VCF-style: chr22-49910421-G-A. GRCh37 (hg19) VCF-style: chr22-50304069-G-A.
Identifiers: ClinVar variation 261686 (VCV000261686.18), dbSNP rs78916708, ClinGen allele CA10300613.

ClinVar aggregate classification (germline): Benign/Likely benign. Review status: criteria provided, multiple submitters, no conflicts (2 of 4 stars). 5 submissions from 5 submitters: Benign (2); Likely benign (3). Last evaluated 2026-02-03.

Conditions:
ALG12-congenital disorder of glycosylation (CDG1G). Also called: ALG12-CDG; CDG Ig; Congenital disorder of glycosylation, type Ig. Identifiers: Orphanet 79324, MedGen C2931001, MONDO:0011783, OMIM 607143.

Allele frequency attached by ClinVar (database versions not stated): gnomAD 0.01353 and 0.01349; ESP Exome Variant Server 0.01246; 1000 Genomes Project 30x 0.00921; 1000 Genomes Project 0.00958; TOPMed 0.01184; ExAC 0.01869.
gnomAD v4.1: 28,570 of 1,612,618 alleles (1.8%); highest among the groups gnomAD compares: East Asian, 3.9%; 308 homozygotes.

Submissions (5):

Labcorp Genetics (formerly Invitae), Labcorp
Classification: Benign for ALG12-congenital disorder of glycosylation. Last evaluated: 2026-02-03. Review status: criteria provided, single submitter. Criteria: Invitae Variant Classification Sherloc (09022015). Collection method: clinical testing. Allele origin: germline.

GeneDx
Classification: Likely benign. Last evaluated: 2019-06-20. Review status: criteria provided, single submitter. Criteria: GeneDx Variant Classification Process June 2021. Collection method: clinical testing. Allele origin: germline. Affected: yes.

Illumina Laboratory Services, Illumina
Classification: Likely benign for ALG12-congenital disorder of glycosylation. Last evaluated: 2018-01-12. Review status: criteria provided, single submitter. Criteria: ICSL Variant Classification Criteria 13 December 2019. Collection method: clinical testing. Allele origin: germline.
Comment: This variant was observed in the ICSL laboratory as part of a predisposition screen in an ostensibly healthy population. It had not been previously curated by ICSL or reported in the Human Gene Mutation Database (HGMD: prior to June 1st, 2018), and was therefore a candidate for classification through an automated scoring system. Utilizing variant allele frequency, disease prevalence and penetrance estimates, and inheritance mode, an automated score was calculated to assess if this variant is too frequent to cause the disease. Based on the score and internal cut-off values, a variant classified as likely benign is not then subjected to further curation. The score for this variant resulted in a classification of likely benign for this disease.

Breakthrough Genomics
Classification: Likely benign. Review status: criteria provided, single submitter. Criteria: ACMG Guidelines, 2015. Collection method: not provided. Allele origin: germline. Inheritance: Autosomal recessive inheritance. Affected: yes.

PreventionGenetics, part of Exact Sciences
Classification: Benign. Review status: criteria provided, single submitter. Criteria: ACMG Guidelines, 2015. Collection method: clinical testing. Allele origin: germline.